The following is an entry in ClinVar:

ClinVar aggregate classification (germline): Pathogenic/Likely pathogenic. Review status: criteria provided, multiple submitters, no conflicts (2 of 4 stars). 2 submissions from 2 submitters: Pathogenic (1); Likely pathogenic (1). Last evaluated 2024-03-27.

Conditions:
Retinitis pigmentosa 26 (RP26). Identifiers: Orphanet 791, MedGen C1842127, MONDO:0012024, OMIM 608380.

Submissions (2):

Baylor Genetics
Classification: Likely pathogenic for Retinitis pigmentosa 26. Last evaluated: 2024-03-27. Review status: criteria provided, single submitter. Criteria: ACMG Guidelines, 2015. Collection method: clinical testing. Allele origin: unknown.

Ocular Genomics Institute, Massachusetts Eye and Ear
Classification: Pathogenic for Retinitis pigmentosa 26. Last evaluated: 2021-04-08. Review status: criteria provided, single submitter. Criteria: ACMG Guidelines, 2015. Collection method: research. Allele origin: germline. Affected: yes.
Comment: Through a review of available evidence we were able to apply the following criteria: PVS1, PM2, PM3. Based on this evidence we have classified this variant as Pathogenic.

NM_201548.5(CERKL):c.109C>T (p.Gln37Ter)

Gene: CERKL (CERK like autophagy regulator; minus strand). Cytogenetic location: 2q31.3.
Variant type: single nucleotide variant.
Coding change: c.109C>T on transcript NM_201548.5 (MANE Select); coding-DNA position 109, C replaced by T.
Protein change: p.Gln37Ter; replaces glutamine 37 with a stop codon.
Molecular consequence: nonsense. On other transcripts: non-coding transcript variant (2).
Genome position (GRCh38, 1-based): chr2:181,656,898, G>A on the plus strand (C>T on the coding strand, the complement: CERKL is on the minus strand). VCF-style: chr2-181656898-G-A. GRCh37 (hg19) VCF-style: chr2-182521625-G-A.
Other names: c.109C>T, p.Gln37Ter (NM_001030311.3, NM_001030312.3, NM_001030313.3 and 1 more transcripts); short protein forms Q37*.
Identifiers: ClinVar variation 1065700 (VCV001065700.2), dbSNP rs1414280804, ClinGen allele CA349744807.